The following is an entry in ClinVar:

NM_000091.5(COL4A3):c.894del (p.Lys298fs)

Genes: MFF-DT (MFF divergent transcript; minus strand), COL4A3 (collagen type IV alpha 3 chain; plus strand). Cytogenetic location: 2q36.3.
Variant type: Deletion.
Coding change: c.894del on transcript NM_000091.5 (MANE Select); coding-DNA position 894, one base deleted (A; older notation c.894delA).
Protein change: p.Lys298fs; shifts the reading frame from lysine 298.
Molecular consequence: frameshift variant.
Genome position (GRCh38, 1-based): chr2:227,256,031, A deleted; the last of 4 consecutive A bases (chr2:227,256,028-227,256,031); deleting any one gives the same sequence. VCF-style (leftmost placement, unchanged base first): chr2-227256027-GA-G. GRCh37 (hg19) VCF-style: chr2-228120743-GA-G.
Other names: short protein forms K298fs.
Identifiers: ClinVar variation 940787 (VCV000940787.10), dbSNP rs2070145822, ClinGen allele CA1139657724.
Genomic context (GRCh38, chr2:227,256,027, plus strand): 5'-TATTTGTAAAGTTAGCCATATTTATTACATTTCATGTTTTTGATTTGTTTTTGCTGTAGG[GA>G]AAACCCGGAAAAGATGGTGTTCCTGGCTTCCCTGGAAGTGAGGTATAGAGTTGATTTGGC-3'

ClinVar aggregate classification (germline): Pathogenic/Likely pathogenic. Review status: criteria provided, multiple submitters, no conflicts (2 of 4 stars). 2 submissions from 2 submitters: Pathogenic (1); Likely pathogenic (1). Last evaluated 2022-01-25.

Conditions:
Autosomal recessive Alport syndrome (ATS2). Also called: Alport syndrome type 2; COL4A4 Alport Syndrome and Thin Basement Membrane Nephropathy; ALPORT SYNDROME 2, AUTOSOMAL RECESSIVE; COL4A3-Related Nephropathy. Identifiers: Orphanet 63, Orphanet 88919, MedGen C4746745, MONDO:0008762, OMIM 203780.

Submissions (2):

Myriad Genetics, Inc.
Classification: Likely pathogenic for Autosomal recessive Alport syndrome. Last evaluated: 2022-01-25. Review status: criteria provided, single submitter. Criteria: Myriad Women's Health Autosomal Recessive and X-Linked Classification Criteria (2021). Collection method: clinical testing. Allele origin: unknown.
Comment: NM_000091.4(COL4A3):c.894delA(K298Nfs*25) is expected to be pathogenic in the context of COL4A3-related Alport syndrome. This variant is predicted to lead to an abnormal or absent protein product due to the creation of a premature termination codon in COL4A3, a gene where loss-of-function variants are known to be pathogenic. Please note: this variant was assessed in the context of healthy population screening.

Labcorp Genetics (formerly Invitae), Labcorp
Classification: Pathogenic. Last evaluated: 2020-07-24. Review status: criteria provided, single submitter. Criteria: Invitae Variant Classification Sherloc (09022015). Collection method: clinical testing. Allele origin: germline.
Comment: This sequence change creates a premature translational stop signal (p.Lys298Asnfs*25) in the COL4A3 gene. It is expected to result in an absent or disrupted protein product. This variant is not present in population databases (ExAC no frequency). This variant has not been reported in the literature in individuals with COL4A3-related conditions. Loss-of-function variants in COL4A3 are known to be pathogenic (PMID: 8956999, 24854265, 26809805, 27281700). For these reasons, this variant has been classified as Pathogenic.

Literature cited by the submitters: PubMed 8956999 (cited by Labcorp Genetics (formerly Invitae), Labcorp); PubMed 24854265 (cited by Labcorp Genetics (formerly Invitae), Labcorp); PubMed 26809805 (cited by Labcorp Genetics (formerly Invitae), Labcorp); PubMed 27281700 (cited by Labcorp Genetics (formerly Invitae), Labcorp).